The following is an entry in ClinVar:

ClinVar aggregate classification (germline): Uncertain significance (1 of 4 stars; one submission).

Allele frequency attached by ClinVar (database versions not stated): TOPMed below 0.00001; gnomAD 0.00001.

Submission:

Labcorp Genetics (formerly Invitae), Labcorp
Classification: Uncertain significance. Last evaluated: 2023-09-30. Review status: criteria provided, single submitter. Criteria: Invitae Variant Classification Sherloc (09022015). Collection method: clinical testing. Allele origin: germline.
Comment: In summary, the available evidence is currently insufficient to determine the role of this variant in disease. Therefore, it has been classified as a Variant of Uncertain Significance. Advanced modeling of protein sequence and biophysical properties (such as structural, functional, and spatial information, amino acid conservation, physicochemical variation, residue mobility, and thermodynamic stability) performed at Invitae indicates that this missense variant is not expected to disrupt CACNA1E protein function. This variant has not been reported in the literature in individuals affected with CACNA1E-related conditions. This variant is not present in population databases (gnomAD no frequency). This sequence change replaces histidine, which is basic and polar, with tyrosine, which is neutral and polar, at codon 1018 of the CACNA1E protein (p.His1018Tyr).

NM_001205293.3(CACNA1E):c.3052C>T (p.His1018Tyr)

Gene: CACNA1E (calcium voltage-gated channel subunit alpha1 E; plus strand). Cytogenetic location: 1q25.3.
Variant type: single nucleotide variant.
Coding change: c.3052C>T on transcript NM_001205293.3 (MANE Select); coding-DNA position 3052, C replaced by T.
Protein change: p.His1018Tyr; replaces histidine 1018 with tyrosine.
Molecular consequence: missense variant.
Genome position (GRCh38, 1-based): chr1:181,733,540, C>T. VCF-style: chr1-181733540-C-T. GRCh37 (hg19) VCF-style: chr1-181702676-C-T.
Other names: c.3052C>T, p.His1018Tyr (NM_000721.4); c.2995C>T, p.His999Tyr (NM_001205294.2); short protein forms H1018Y, H999Y.
Identifiers: ClinVar variation 2764516 (VCV002764516.3), dbSNP rs1448186625, ClinGen allele CA343620773.
Genomic context (GRCh38, chr1:181,733,540, plus strand): 5'-GGCCTTGATGAGGCTGACACCCCCCTAGTCCTGCCCCATCCTGAGCTGGAAGTGGGGAAG[C>T]ACGTGGTGCTGACGGAGCAGGAGCCAGAAGGCAGCAGTGAGCAGGCCCTGCTGGGGAATG-3'
Protein context (NP_001192222.1, residues 1008-1028): LPHPELEVGK[His1018Tyr]VVLTEQEPEG